The following is an entry in ClinVar:

NC_000020.10:g.(?_25319843)_(25426627_?)del

Genes: GINS1 (GINS complex subunit 1; plus strand), ABHD12 (abhydrolase domain containing 12, lysophospholipase; minus strand). Cytogenetic location: 20p11.21.
Variant type: Deletion.
Identifiers: ClinVar variation 2423575 (VCV002423575.4).

ClinVar aggregate classification (germline): Pathogenic (1 of 4 stars; one submission).

Submission:

Labcorp Genetics (formerly Invitae), Labcorp
Classification: Pathogenic. Last evaluated: 2022-10-25. Review status: criteria provided, single submitter. Criteria: Invitae Variant Classification Sherloc (09022015). Collection method: clinical testing. Allele origin: germline.
Comment: For these reasons, this variant has been classified as Pathogenic. This variant has not been reported in the literature in individuals affected with ABHD12-related conditions. This variant is a gross deletion of the genomic region encompassing exon(s) 1-2 of the ABHD12 gene, which includes the initiator codon. This deletion extends beyond the assayed region for this gene and therefore may encompass additional genes. It is expected to result in an absent or disrupted protein product. Loss-of-function variants in ABHD12 are known to be pathogenic (PMID: 20797687).

Literature cited by the submitters: PubMed 20797687.